The following is an entry in ClinVar:

NM_000238.4(KCNH2):c.3060dup (p.Ser1021fs)

Gene: KCNH2 (potassium voltage-gated channel subfamily H member 2; minus strand). Cytogenetic location: 7q36.1.
Variant type: Duplication.
Coding change: c.3060dup on transcript NM_000238.4 (MANE Select); coding-DNA position 3060, one base duplicated (C; older notation c.3060dupC).
Protein change: p.Ser1021fs; shifts the reading frame from serine 1021.
Molecular consequence: frameshift variant.
Genome position (GRCh38, 1-based): chr7:150,947,420, G duplicated on the plus strand (C on the coding strand, the reverse complement: KCNH2 is on the minus strand); the first of 5 consecutive G bases (chr7:150,947,420-150,947,424); duplicating any one gives the same sequence. VCF-style (leftmost placement, unchanged base first): chr7-150947419-T-TG. GRCh37 (hg19) VCF-style: chr7-150644507-T-TG.
Other names: c.2040dup, p.Ser681fs (NM_172057.3); short protein forms S1021fs, S681fs.
Identifiers: ClinVar variation 423015 (VCV000423015.2), dbSNP rs864622174, ClinGen allele CA16618398.

ClinVar aggregate classification (germline): Likely pathogenic (1 of 4 stars; one submission).

Submission:

GeneDx
Classification: Likely pathogenic. Last evaluated: 2017-10-26. Review status: criteria provided, single submitter. Criteria: GeneDx Variant Classification (06012015). Collection method: clinical testing. Allele origin: germline. Affected: yes.
Comment: The c.3060dupC variant was identified in 5 relatives from a family referred for LQTS genetic testing (Itoh et al., 2015). However, detailed clinical information was not provided. This variant causes a shift in reading frame starting at codon serine 1021, changing it to a glutamine, and creating a premature stop codon at position 98 of the new reading frame, denoted p.Ser1021GlnfsX98. Because the new termination codon is located in the last exon, nonsense-mediated mRNA decay is not expected. This variant is expected to result in an abnormal, truncated protein product, in which the last 139 amino acids are replaced by 97 different amino acids. It is not known whether this abnormal protein is stable or, if stable, what the precise effect is of this variant. However, multiple other downstream frameshift variants in the KCNH2 gene have been reported in Human Gene Mutation Database in association with LQTS (Stenson et al., 2014), suggesting loss of function as a mechanism of disease. Lastly, data from control individuals in publicly available databases is not available to assess the frequency of c.3060dupC in the general population.